The following is an entry in ClinVar:

ClinVar aggregate classification (germline): Uncertain significance. Review status: criteria provided, multiple submitters, no conflicts (2 of 4 stars). 2 submissions from 2 submitters: Uncertain significance (2). Last evaluated 2024-04-30.

Conditions:
Wilms tumor 1 (WT1). Also called: Wilms tumor, somatic. Identifiers: Orphanet 654, MedGen CN033288, MONDO:0008679, OMIM 194070.
Simpson-Golabi-Behmel syndrome type 1 (SGBS1). Also called: GOLABI-ROSEN SYNDROME; SIMPSON DYSMORPHIA SYNDROME; GPC3-Related Simpson-Golabi-Behmel Syndrome Type 1; BULLDOG SYNDROME; DYSPLASIA GIGANTISM SYNDROME, X-LINKED. Identifiers: Orphanet 373, MedGen C0796154, MONDO:0020602, OMIM 312870.

Allele frequency attached by ClinVar (database versions not stated): gnomAD exomes below 0.00001.

Submissions (2):

Fulgent Genetics
Classification: Uncertain significance for Wilms tumor 1; Simpson-Golabi-Behmel syndrome type 1. Last evaluated: 2024-04-30. Review status: criteria provided, single submitter. Criteria: ACMG Guidelines, 2015. Collection method: clinical testing. Allele origin: germline.

Labcorp Genetics (formerly Invitae), Labcorp
Classification: Uncertain significance for Wilms tumor 1. Last evaluated: 2023-07-20. Review status: criteria provided, single submitter. Criteria: Invitae Variant Classification Sherloc (09022015). Collection method: clinical testing. Allele origin: germline.
Comment: In summary, the available evidence is currently insufficient to determine the role of this variant in disease. Therefore, it has been classified as a Variant of Uncertain Significance. An algorithm developed to predict the effect of missense changes on protein structure and function (PolyPhen-2) suggests that this variant is likely to be tolerated. This variant has not been reported in the literature in individuals affected with GPC3-related conditions. This variant is not present in population databases (gnomAD no frequency). This sequence change replaces methionine, which is neutral and non-polar, with threonine, which is neutral and polar, at codon 14 of the GPC3 protein (p.Met14Thr).

NM_004484.4(GPC3):c.41T>C (p.Met14Thr)

Gene: GPC3 (glypican 3; minus strand). Cytogenetic location: Xq26.2.
Variant type: single nucleotide variant.
Coding change: c.41T>C on transcript NM_004484.4 (MANE Select); coding-DNA position 41, T replaced by C.
Protein change: p.Met14Thr; replaces methionine 14 with threonine.
Molecular consequence: missense variant.
Genome position (GRCh38, 1-based): chrX:133,985,409, A>G on the plus strand (T>C on the coding strand, the complement: GPC3 is on the minus strand). VCF-style: chrX-133985409-A-G. GRCh37 (hg19) VCF-style: chrX-133119436-A-G.
Other names: c.41T>C, p.Met14Thr (NM_001164617.2, NM_001164618.2, NM_001164619.2); short protein forms M14T.
Identifiers: ClinVar variation 2850872 (VCV002850872.4), dbSNP rs756198380, ClinGen allele CA10520892.